The following is an entry in ClinVar:

NM_001497.4(B4GALT1):c.538A>G (p.Ile180Val)

Gene: B4GALT1 (beta-1,4-galactosyltransferase 1; minus strand). Cytogenetic location: 9p21.1.
Variant type: single nucleotide variant.
Coding change: c.538A>G on transcript NM_001497.4 (MANE Select); coding-DNA position 538, A replaced by G.
Protein change: p.Ile180Val; replaces isoleucine 180 with valine.
Molecular consequence: missense variant.
Genome position (GRCh38, 1-based): chr9:33,135,299, T>C on the plus strand (A>G on the coding strand, the complement: B4GALT1 is on the minus strand). VCF-style: chr9-33135299-T-C. GRCh37 (hg19) VCF-style: chr9-33135297-T-C.
Other names: c.499A>G, p.Ile167Val (NM_001378495.1); c.538A>G, p.Ile180Val (NM_001378496.1, NM_001378497.1); c.538A>G (NM_001497.3); short protein forms I167V, I180V.
Identifiers: ClinVar variation 1437650 (VCV001437650.7), dbSNP rs201564406, ClinGen allele CA5023750.

ClinVar aggregate classification (germline): Uncertain significance. Review status: criteria provided, multiple submitters, no conflicts (2 of 4 stars). 2 submissions from 2 submitters: Uncertain significance (2). Last evaluated 2025-04-18.

Conditions:
Inborn genetic diseases. Identifiers: MedGen C0950123, MeSH D030342.

Allele frequency attached by ClinVar (database versions not stated): gnomAD exomes 0.00002 and 0.00005; ExAC 0.00003; gnomAD 0.00003 and 0.00004; TOPMed 0.00003.
gnomAD v4.1: 85 of 1,614,078 alleles (0.0053%); highest among the groups gnomAD compares: Non-Finnish European, 0.0068%; no homozygotes.

Submissions (2):

Ambry Genetics
Classification: Uncertain significance for Inborn genetic diseases. Last evaluated: 2025-04-18. Review status: criteria provided, single submitter. Criteria: Ambry Variant Classification Scheme 2023. Collection method: clinical testing. Allele origin: germline.

Labcorp Genetics (formerly Invitae), Labcorp
Classification: Uncertain significance. Last evaluated: 2022-06-27. Review status: criteria provided, single submitter. Criteria: Invitae Variant Classification Sherloc (09022015). Collection method: clinical testing. Allele origin: germline.
Comment: In summary, the available evidence is currently insufficient to determine the role of this variant in disease. Therefore, it has been classified as a Variant of Uncertain Significance. Algorithms developed to predict the effect of missense changes on protein structure and function output the following: SIFT: "Tolerated"; PolyPhen-2: "Benign"; Align-GVGD: "Class C0". The valine amino acid residue is found in multiple mammalian species, which suggests that this missense change does not adversely affect protein function. This variant has not been reported in the literature in individuals affected with B4GALT1-related conditions. This variant is present in population databases (rs201564406, gnomAD 0.006%). This sequence change replaces isoleucine, which is neutral and non-polar, with valine, which is neutral and non-polar, at codon 180 of the B4GALT1 protein (p.Ile180Val).